The following is an entry in ClinVar:

ClinVar aggregate classification (germline): Pathogenic/Likely pathogenic. Review status: criteria provided, multiple submitters, no conflicts (2 of 4 stars). 3 submissions from 3 submitters: Pathogenic (2); Likely pathogenic (1). Last evaluated 2025-06-18.

Conditions:
Marfan syndrome (MFS). Also called: FBN1-Related Marfan Syndrome; Marfan syndrome type 1; Marfan's syndrome; Marfan syndrome, classic; MARFAN SYNDROME, TYPE I. Identifiers: Orphanet 284963, Orphanet 558, MedGen C0024796, MONDO:0007947, OMIM 154700.
Familial thoracic aortic aneurysm and aortic dissection (TAAD). Also called: Thoracic aortic aneurysms and dissections. Identifiers: Orphanet 91387, MedGen C4707243, MONDO:0019625.

Submissions (3):

Labcorp Genetics (formerly Invitae), Labcorp
Classification: Pathogenic for Marfan syndrome; Familial thoracic aortic aneurysm and aortic dissection. Last evaluated: 2025-06-18. Review status: criteria provided, single submitter. Criteria: Invitae Variant Classification Sherloc (09022015). Collection method: clinical testing. Allele origin: germline.
Comment: This sequence change replaces cysteine, which is neutral and slightly polar, with tyrosine, which is neutral and polar, at codon 2550 of the FBN1 protein (p.Cys2550Tyr). This variant is not present in population databases (gnomAD no frequency). This missense change has been observed in individuals with Marfan syndrome (PMID: 24199744; internal data). ClinVar contains an entry for this variant (Variation ID: 590852). Invitae Evidence Modeling of protein sequence and biophysical properties (such as structural, functional, and spatial information, amino acid conservation, physicochemical variation, residue mobility, and thermodynamic stability) indicates that this missense variant is expected to disrupt FBN1 protein function with a positive predictive value of 95%. This variant affects a cysteine residue in the EGF-like, TGFBP or hybrid motif domains of FBN1. Cysteine residues are believed to be involved in intramolecular disulfide bridges and have been shown to be important for FBN1 protein structure (PMID: 16905551, 19349279). In addition, missense substitutions affecting cysteine residues within these domains are significantly overrepresented among patients with Marfan syndrome (PMID: 16571647, 17701892). For these reasons, this variant has been classified as Pathogenic.

GeneDx
Classification: Likely pathogenic. Last evaluated: 2024-09-24. Review status: criteria provided, single submitter. Criteria: GeneDx Variant Classification Process June 2021. Collection method: clinical testing. Allele origin: germline. Affected: yes.
Comment: Not observed at significant frequency in large population cohorts (gnomAD); In silico analysis supports that this missense variant has a deleterious effect on protein structure/function; Affects a cysteine residue/Introduces a new cysteine residue] within an EGF-like domain of the FBN1 gene, which may affect disulfide bonding and is predicted to alter the structure and function of the protein; cysteine substitutions in the EGF-like domains represent the majority of pathogenic missense changes associated with FBN1-related disorders (PMID: 12938084); This variant is associated with the following publications: (PMID: 12938084, 24199744)

Clinical Molecular Genetics Laboratory, Johns Hopkins All Children's Hospital
Classification: Pathogenic for Marfan syndrome. Last evaluated: 2018-11-15. Review status: criteria provided, single submitter. Criteria: ACMG Guidelines, 2015. Collection method: clinical testing. Allele origin: germline. Inheritance: Autosomal dominant inheritance. Affected: yes. Observed: 1 heterozygote.

Literature cited by the submitters: PubMed 24199744 (cited by Labcorp Genetics (formerly Invitae), Labcorp); PubMed 16905551 (cited by Labcorp Genetics (formerly Invitae), Labcorp); PubMed 19349279 (cited by Labcorp Genetics (formerly Invitae), Labcorp); PubMed 16571647 (cited by Labcorp Genetics (formerly Invitae), Labcorp); PubMed 17701892 (cited by Labcorp Genetics (formerly Invitae), Labcorp).

NM_000138.5(FBN1):c.7649G>A (p.Cys2550Tyr)

Gene: FBN1 (fibrillin 1; minus strand). Cytogenetic location: 15q21.1.
Variant type: single nucleotide variant.
Coding change: c.7649G>A on transcript NM_000138.5 (MANE Select); coding-DNA position 7649, G replaced by A.
Protein change: p.Cys2550Tyr; replaces cysteine 2550 with tyrosine.
Molecular consequence: missense variant.
Genome position (GRCh38, 1-based): chr15:48,421,608, C>T on the plus strand (G>A on the coding strand, the complement: FBN1 is on the minus strand). VCF-style: chr15-48421608-C-T. GRCh37 (hg19) VCF-style: chr15-48713805-C-T.
Other names: short protein forms C2550Y.
Identifiers: ClinVar variation 590852 (VCV000590852.6), dbSNP rs1555394196, ClinGen allele CA392325131.